The following is an entry in ClinVar:

NM_052867.4(NALCN):c.707G>T (p.Gly236Val)

Gene: NALCN (sodium leak channel, non-selective; minus strand). Cytogenetic location: 13q33.1.
Variant type: single nucleotide variant.
Coding change: c.707G>T on transcript NM_052867.4 (MANE Select); coding-DNA position 707, G replaced by T.
Protein change: p.Gly236Val; replaces glycine 236 with valine.
Molecular consequence: missense variant.
Genome position (GRCh38, 1-based): chr13:101,345,358, C>A on the plus strand (G>T on the coding strand, the complement: NALCN is on the minus strand). VCF-style: chr13-101345358-C-A. GRCh37 (hg19) VCF-style: chr13-101997709-C-A.
Other names: c.707G>T, p.Gly236Val (NM_001350748.2, NM_001350749.2, NM_001350750.2 and 1 more transcripts); short protein forms G236V.
Identifiers: ClinVar variation 3235230 (VCV003235230.1), dbSNP rs2045686139.

ClinVar aggregate classification (germline): Uncertain significance (1 of 4 stars; one submission).

Conditions:
Congenital contractures of the limbs and face, hypotonia, and developmental delay (CLIFAHDD). Identifiers: Orphanet 562528, MedGen C4225398, MONDO:0014556, OMIM 616266.

Allele frequency attached by ClinVar (database versions not stated): TOPMed 0.00001.
gnomAD v4.1: 1 of 1,613,786 alleles (0.000062%); highest among the groups gnomAD compares: Non-Finnish European, 0.000085%; no homozygotes.

Submission:

MVZ Medizinische Genetik Mainz
Classification: Uncertain significance for Congenital contractures of the limbs and face, hypotonia, and developmental delay. Last evaluated: 2023-12-19. Review status: criteria provided, single submitter. Criteria: UK Practice Guidelines For Variant Classification V4 01 2020. Collection method: clinical testing. Allele origin: germline. Inheritance: Autosomal dominant inheritance. Affected: yes. Observed: 1 variant allele.
Comment: ACMG Criteria: PP3_MOD,PM2_SUP,PP2